The following is an entry in ClinVar:

NM_001111125.3(IQSEC2):c.2890-3T>G

Gene: IQSEC2 (IQ motif and Sec7 domain ArfGEF 2; minus strand). Cytogenetic location: Xp11.22.
Variant type: single nucleotide variant.
Coding change: c.2890-3T>G on transcript NM_001111125.3 (MANE Select); 3 bases into the intron before coding-DNA position 2890, T replaced by G.
Molecular consequence: intron variant.
Genome position (GRCh38, 1-based): chrX:53,241,912, A>C on the plus strand (T>G on the coding strand, the complement: IQSEC2 is on the minus strand). VCF-style: chrX-53241912-A-C. GRCh37 (hg19) VCF-style: chrX-53271094-A-C.
Other names: c.2275-3T>G (NM_015075.2).
Identifiers: ClinVar variation 1309763 (VCV001309763.5), dbSNP rs2147050192, ClinGen allele CA2573055361.

ClinVar aggregate classification (germline): Uncertain significance. Review status: criteria provided, multiple submitters, no conflicts (2 of 4 stars). 2 submissions from 2 submitters: Uncertain significance (2). Last evaluated 2023-06-19.

Conditions:
Intellectual developmental disorder, X-linked 1. Also called: Atkin Flaitz Patil Smith syndrome; MENTAL RETARDATION, X-LINKED 18; MENTAL RETARDATION, X-LINKED 78; Intellectual disability, X-linked 1. Identifiers: Orphanet 777, MedGen C2931498, MONDO:0010656, OMIM 309530.

Submissions (2):

Institute of Human Genetics, University of Leipzig Medical Center
Classification: Uncertain significance for Intellectual developmental disorder, X-linked 1. Last evaluated: 2023-06-19. Review status: criteria provided, single submitter. Criteria: ACMG Guidelines, 2015. Collection method: clinical testing. Allele origin: maternal. Inheritance: X-linked dominant inheritance. Affected: yes.
Comment: Criteria applied: PM2_SUP

GeneDx
Classification: Uncertain significance. Last evaluated: 2019-10-25. Review status: criteria provided, single submitter. Criteria: GeneDx Variant Classification Process June 2021. Collection method: clinical testing. Allele origin: germline. Affected: yes.
Comment: Not observed in large population cohorts (Lek et al., 2016); Has not been previously published as pathogenic or benign to our knowledge; In-silico analysis, which includes splice predictors and evolutionary conservation, is inconclusive as to whether the variant alters gene splicing. In the absence of RNA/functional studies, the actual effect of this sequence change is unknown.